The following is an entry in ClinVar:

NM_004380.3(CREBBP):c.6510C>T (p.Ala2170=)

Gene: CREBBP (CREB binding lysine acetyltransferase; minus strand). Cytogenetic location: 16p13.3.
Variant type: single nucleotide variant.
Coding change: c.6510C>T on transcript NM_004380.3 (MANE Select); coding-DNA position 6510, C replaced by T.
Protein change: p.Ala2170=; no amino-acid change (alanine 2170 retained).
Molecular consequence: synonymous variant.
Genome position (GRCh38, 1-based): chr16:3,728,537, G>A on the plus strand (C>T on the coding strand, the complement: CREBBP is on the minus strand). VCF-style: chr16-3728537-G-A. GRCh37 (hg19) VCF-style: chr16-3778538-G-A.
Other names: c.6510C>T (NM_004380.2); c.6396C>T, p.Ala2132= (NM_001079846.1).
Identifiers: ClinVar variation 1902177 (VCV001902177.6), dbSNP rs1025179494, ClinGen allele CA276971487.

ClinVar aggregate classification (germline): Likely benign. Review status: criteria provided, single submitter (1 of 4 stars). 2 submissions from 2 submitters: Likely benign (1). 1 of the submissions does not count toward it. Last evaluated 2023-08-04.

Conditions:
CREBBP-related disorder. Also called: CREBBP-related disorders; CREBBP-related condition.
Rubinstein-Taybi syndrome (RSTS). Identifiers: Orphanet 783, MedGen C0035934, MONDO:0019188.

Submissions (2):

Labcorp Genetics (formerly Invitae), Labcorp
Classification: Likely benign for Rubinstein-Taybi syndrome. Last evaluated: 2023-08-04. Review status: criteria provided, single submitter. Criteria: Invitae Variant Classification Sherloc (09022015). Collection method: clinical testing. Allele origin: germline.

PreventionGenetics, part of Exact Sciences
Classification: Likely benign for CREBBP-related condition. Last evaluated: 2023-07-17. Review status: no assertion criteria provided. Collection method: clinical testing. Allele origin: germline. Not counted in ClinVar's aggregate classification.
Comment: This variant is classified as likely benign based on ACMG/AMP sequence variant interpretation guidelines (Richards et al. 2015 PMID: 25741868, with internal and published modifications).